The following is an entry in ClinVar:

ClinVar aggregate classification (germline): Pathogenic. Review status: criteria provided, multiple submitters, no conflicts (2 of 4 stars). 15 submissions from 15 submitters: Pathogenic (14). 1 of the submissions does not count toward it. Last evaluated 2026-01-22.

Conditions:
Polycystic kidney disease 4 (PKD4). Also called: POLYCYSTIC KIDNEY DISEASE 4 WITH OR WITHOUT POLYCYSTIC LIVER DISEASE; POLYCYSTIC KIDNEY AND HEPATIC DISEASE 1; POLYCYSTIC KIDNEY DISEASE, INFANTILE, TYPE I; PKD3; Autosomal Recessive Polycystic Kidney Disease – PKHD1. Identifiers: MedGen C4540575, MONDO:0033004, OMIM 263200.
PKHD1-related disorder. Also called: PKHD1-related condition.
Autosomal recessive polycystic kidney disease (ARPKD). Also called: AR polycystic kidney disease. Identifiers: Orphanet 731, Orphanet 8378, MedGen C0085548, MeSH D017044, MONDO:0009889.

Allele frequency attached by ClinVar (database versions not stated): gnomAD 0.00005; TOPMed 0.00008; gnomAD exomes 0.00005 and 0.00007; ExAC 0.00007.

Submissions (15):

Labcorp Genetics (formerly Invitae), Labcorp
Classification: Pathogenic for Autosomal recessive polycystic kidney disease. Last evaluated: 2026-01-22. Review status: criteria provided, single submitter. Criteria: Invitae Variant Classification Sherloc (09022015). Collection method: clinical testing. Allele origin: germline.
Comment: This sequence change creates a premature translational stop signal (p.Asp3230Valfs*34) in the PKHD1 gene. It is expected to result in an absent or disrupted protein product. Loss-of-function variants in PKHD1 are known to be pathogenic (PMID: 19940839). This variant is present in population databases (rs398124502, gnomAD 0.04%). This premature translational stop signal has been observed in individuals with autosomal recessive polycystic kidney disease (PMID: 12846734, 15805161, 19940839, 24162162). ClinVar contains an entry for this variant (Variation ID: 96444). For these reasons, this variant has been classified as Pathogenic.

Victorian Clinical Genetics Services, Murdoch Childrens Research Institute
Classification: Pathogenic for Polycystic kidney disease 4. Last evaluated: 2025-11-12. Review status: criteria provided, single submitter. Criteria: ACMG Guidelines, 2015. Collection method: clinical testing. Allele origin: germline. Affected: yes.
Comment: This variant is classified as Pathogenic. Evidence in support of pathogenic classification: Variant is predicted to cause nonsense-mediated decay (NMD) and loss of protein (premature termination codon is located at least 54 nucleotides upstream of the final exon-exon junction); Variant is present in gnomAD <0.01 (v2 and v3(non-v2): 26 heterozygotes, 0 homozygotes); This variant has strong previous evidence of pathogenicity in unrelated individuals. This variant has been classified as pathogenic by multiple clinical laboratories (ClinVar); Other NMD-predicted variants comparable to the one identified in this case have very strong previous evidence for pathogenicity. Many NMD-predicted variants have previously been reported as pathogenic (DECIPHER). Additional information: This variant is heterozygous; This gene is associated with autosomal recessive disease; however, there are emerging reports of heterozygous carriers of PKHD1 variants developing liver cysts and nephrocalcinosis (PMID: 21945273, 36691356); Loss of function is a known mechanism of disease in this gene and is associated with polycystic kidney disease 4, with or without hepatic disease (MIM#263200); Variants in this gene are known to have variable expressivity. Significant intrafamilial variability has been reported (PMID: 20301501); Heterozygous variant detected in trans with a LIKELY PATHOGENIC heterozygous variant (NM_138694.4(PKHD1):c.4811C>T; p.(Thr1604Met)) in a recessive disease.

Natera, Inc.
Classification: Pathogenic for Autosomal recessive polycystic kidney disease. Last evaluated: 2025-08-26. Review status: criteria provided, single submitter. Criteria: Natera Variant Classification Schema (03/2026). Collection method: clinical testing. Allele origin: germline.
Comment: The c.9689delA variant in PKHD1 is a frameshift variant predicted to shift the reading frame beginning at codon 3230 and leads to a stop codon 34 codons downstream. This variant is expected to result in nonsense mediated decay, truncation, or a dysfunctional protein product. This variant is rare in the general population with a frequency below the threshold expected for the associated phenotype(s). This variant has been observed in one or more individuals affected with the associated recessive disease, as either homozygous or compound heterozygous with a second variant (PMID: 15805161). Given the available evidence, this variant is classified as Pathogenic.

Rady Children's Institute for Genomic Medicine, Rady Children's Hospital San Diego
Classification: Pathogenic for Polycystic kidney disease, autosomal recessive. Last evaluated: 2025-08-12. Review status: criteria provided, single submitter. Criteria: ACMG Guidelines, 2015. Collection method: clinical testing. Allele origin: germline. Affected: yes.
Comment: This frameshifting variant in exon 58 of 67 is predicted to result in loss of normal protein function through either protein truncation or nonsense-mediated mRNA decay. Loss-of-function variation in PKHD1 is an established mechanism of disease (PMID: 20301501). This variant is a common founder mutation in the Spanish population that has been previously reported as a compound heterozygous or homozygous change in patients with severe autosomal recessive polycystic kidney disease (PMID: 12846734, 24162162). The c.9689del (p.Asp3230ValfsTer34) variant is present in the latest version of the gnomAD population database at an allele frequency of 0.005% (79/1614030). Based on the available evidence, c.9689del (p.Asp3230ValfsTer34) is classified as Pathogenic.

Revvity Omics, Revvity
Classification: Pathogenic for Polycystic kidney disease 4. Last evaluated: 2025-03-19. Review status: criteria provided, single submitter. Criteria: ACMG Guidelines, 2015. Collection method: clinical testing. Allele origin: germline.

Blueprint Genetics
Classification: Pathogenic for PKHD1-related disorders. Last evaluated: 2024-04-22. Review status: criteria provided, single submitter. Criteria: ACMG Guidelines, 2015. Collection method: clinical testing. Allele origin: germline. Affected: yes. Observed: 5 variant alleles.

Department of Pathology and Laboratory Medicine, Sinai Health System
Classification: Pathogenic for autosomal recessive polycystic kidney disease. Last evaluated: 2022-08-02. Review status: criteria provided, single submitter. Criteria: ACMG Guidelines, 2015. Collection method: clinical testing. Allele origin: germline. Affected: no.

Fulgent Genetics
Classification: Pathogenic for Polycystic kidney disease 4. Last evaluated: 2021-06-30. Review status: criteria provided, single submitter. Criteria: ACMG Guidelines, 2015. Collection method: clinical testing. Allele origin: unknown.
Comment: This variant has been detected in individual(s) who were sent for testing of Renasight - kidney gene panel.

GeneDx
Classification: Pathogenic. Last evaluated: 2021-04-07. Review status: criteria provided, single submitter. Criteria: GeneDx Variant Classification Process June 2021. Collection method: clinical testing. Allele origin: germline. Affected: yes.
Comment: Frameshift variant predicted to result in protein truncation or nonsense mediated decay in a gene for which loss-of-function is a known mechanism of disease; This variant is associated with the following publications: (PMID: 19940839, 24162162, 19914852, 12846734, 15805161, 33258288, 31589614, 19021639, 26721323, 25701400, 15696446, 15698423)

Molecular Biology Laboratory, Fundació Puigvert
Classification: Pathogenic for Polycystic kidney disease 4. Last evaluated: 2020-02-01. Review status: criteria provided, single submitter. Criteria: ACMG Guidelines, 2015. Collection method: research. Allele origin: paternal. Affected: yes. Study: KidneyPanel_2020.

Women's Health and Genetics/Laboratory Corporation of America, LabCorp
Classification: Pathogenic for Autosomal recessive polycystic kidney disease. Last evaluated: 2016-12-08. Review status: criteria provided, single submitter. Criteria: LabCorp Variant Classification Summary - May 2015. Collection method: clinical testing. Allele origin: germline.
Comment: Variant summary: The c.9689delA (p.Asp3230Valfs) variant in PKHD1 gene is a frameshift change that results in the loss of the 812 amino acids of the protein (~20%). This change is predicted to cause loss of normal protein function through protein truncation or nonsense-mediated mRNA decay. The variant is present in the large control population dataset of ExAC at a frequency 0.000066 (8/121318 chrs tested), predominantly in individuals of Latino descent (0.0005; 6/11506) which does not exceed the maximal expected frequency of a pathogenic allele (0.007) in this gene. The variant has been identified homozygously or in the compound heterozygous state in numerous affected individuals with severe presentation. It is listed as the most common fraimshift pathogenic variant in Spanish population. Lastly, multiple reputable databases/diagnostic centers classified the variant of interest as Pathogenic. Taken together, the variant was classified as Pathogenic.

Eurofins Ntd Llc (ga)
Classification: Pathogenic. Last evaluated: 2016-06-09. Review status: criteria provided, single submitter. Criteria: EGL Classification Definitions. Collection method: clinical testing. Allele origin: germline. Observed: 4 variant alleles, 4 heterozygotes.

Baylor Genetics
Classification: Pathogenic for Polycystic kidney disease 4. Review status: criteria provided, single submitter. Criteria: ACMG Guidelines, 2015. Collection method: clinical testing. Allele origin: germline.

Clinical Genetics Service, Universitary Hospital 12 de Octubre
Classification: Pathogenic for Polycystic kidney disease 4. Review status: criteria provided, single submitter. Criteria: ACMG Guidelines, 2015. Collection method: clinical testing. Allele origin: germline. Affected: yes.

PreventionGenetics, part of Exact Sciences
Classification: Pathogenic for PKHD1-related condition. Last evaluated: 2023-12-24. Review status: no assertion criteria provided. Collection method: clinical testing. Allele origin: germline. Not counted in ClinVar's aggregate classification.
Comment: The PKHD1 c.9689delA variant is predicted to result in a frameshift and premature protein termination (p.Asp3230Valfs*34). This variant has been reported to be causative for autosomal recessive polycystic kidney disease (Rossetti et al. 2003. PubMed ID: 12846734; Krall et al. 2014. PubMed ID: 24162162). This variant is reported in 0.040% of alleles in individuals of Latino descent in gnomAD. Frameshift variants in PKHD1 are expected to be pathogenic. This variant is interpreted as pathogenic.

Literature cited by the submitters: PubMed 19940839 (cited by Labcorp Genetics (formerly Invitae), Labcorp and Department of Pathology and Laboratory Medicine, Sinai Health System); PubMed 12846734 (cited by 3 submitters); PubMed 15805161 (cited by 3 submitters); PubMed 24162162 (cited by 4 submitters); PubMed 20301501 (cited by Victorian Clinical Genetics Services, Murdoch Childrens Research Institute and Rady Children's Institute for Genomic Medicine, Rady Children's Hospital San Diego); PubMed 36691356 (cited by Victorian Clinical Genetics Services, Murdoch Childrens Research Institute); PubMed 21945273 (cited by Victorian Clinical Genetics Services, Murdoch Childrens Research Institute); PubMed 33532864 (cited by Molecular Biology Laboratory, Fundació Puigvert); PubMed 15696446 (cited by Women's Health and Genetics/Laboratory Corporation of America, LabCorp).

NM_138694.4(PKHD1):c.9689del (p.Asp3230fs)

Gene: PKHD1 (PKHD1 ciliary IPT domain containing fibrocystin/polyductin; minus strand). Cytogenetic location: 6p12.3.
Variant type: Deletion.
Coding change: c.9689del on transcript NM_138694.4 (MANE Select); coding-DNA position 9689, one base deleted (A; older notation c.9689delA).
Protein change: p.Asp3230fs; shifts the reading frame from aspartic acid 3230.
Molecular consequence: frameshift variant.
Genome position (GRCh38, 1-based): chr6:51,747,927, T deleted on the plus strand (A on the coding strand, the reverse complement: PKHD1 is on the minus strand). VCF-style (leftmost placement, unchanged base first): chr6-51747926-AT-A. GRCh37 (hg19) VCF-style: chr6-51612724-AT-A.
Other names: c.9689del (NM_138694.3, NM_170724.2); c.9689del, p.Asp3230fs (NM_170724.3); short protein forms D3230fs.
Identifiers: ClinVar variation 96444 (VCV000096444.47), dbSNP rs398124502, ClinGen allele CA224113.